The following is an entry in ClinVar:

NM_012338.4(TSPAN12):c.*1243A>T

Gene: TSPAN12 (tetraspanin 12; minus strand). Cytogenetic location: 7q31.31.
Variant type: single nucleotide variant.
Coding change: c.*1243A>T on transcript NM_012338.4 (MANE Select); 1243 bases downstream of the stop codon, A replaced by T.
Molecular consequence: 3 prime UTR variant.
Genome position (GRCh38, 1-based): chr7:120,787,349, T>A on the plus strand (A>T on the coding strand, the complement: TSPAN12 is on the minus strand). VCF-style: chr7-120787349-T-A. GRCh37 (hg19) VCF-style: chr7-120427403-T-A.
Identifiers: ClinVar variation 358752 (VCV000358752.5), dbSNP rs189221112, ClinGen allele CA10625187.

ClinVar aggregate classification (germline): Benign (1 of 4 stars; one submission).

Conditions:
Exudative vitreoretinopathy 5 (EVR5). Identifiers: Orphanet 891, MedGen C2750079, MONDO:0013218, OMIM 613310.

Allele frequency attached by ClinVar (database versions not stated): gnomAD 0.00007 and 0.00140; TOPMed 0.00028; 1000 Genomes Project 30x 0.00874; 1000 Genomes Project 0.00938.

Submission:

Illumina Laboratory Services, Illumina
Classification: Benign for Exudative vitreoretinopathy 5. Last evaluated: 2018-01-13. Review status: criteria provided, single submitter. Criteria: ICSL Variant Classification Criteria 13 December 2019. Collection method: clinical testing. Allele origin: germline.
Comment: This variant was observed in the ICSL laboratory as part of a predisposition screen in an ostensibly healthy population. It had not been previously curated by ICSL or reported in the Human Gene Mutation Database (HGMD: prior to June 1st, 2018), and was therefore a candidate for classification through an automated scoring system. Utilizing variant allele frequency, disease prevalence and penetrance estimates, and inheritance mode, an automated score was calculated to assess if this variant is too frequent to cause the disease. Based on the score and internal cut-off values, a variant classified as benign is not then subjected to further curation. The score for this variant resulted in a classification of benign for this disease.